The following is an entry in ClinVar:

NM_001197104.2(KMT2A):c.282_284del (p.Ser98del)

Gene: KMT2A (lysine methyltransferase 2A; plus strand). Cytogenetic location: 11q23.3.
Variant type: Deletion.
Coding change: c.282_284del on transcript NM_001197104.2 (MANE Select); coding-DNA positions 282 to 284, 3 bases deleted (GTC; older notation c.282_284delGTC).
Protein change: p.Ser98del; deletes serine 98.
Molecular consequence: inframe deletion. On other transcripts: inframe indel (1).
Genome position (GRCh38, 1-based): chr11:118,436,794-118,436,796, GTC deleted; deleting any 3 consecutive bases within chr11:118,436,792-118,436,796 gives the same sequence; the c. name uses the placement nearest the transcript's 3' end. VCF-style (leftmost placement, unchanged base first): chr11-118436791-TTCG-T. GRCh37 (hg19) VCF-style: chr11-118307506-TTCG-T.
Other names: c.282_284delGTC, p.Ser98del (NM_001412597.1); c.282_284del, p.Ser98del (NM_005933.4); short protein forms S98del.
Identifiers: ClinVar variation 2047904 (VCV002047904.4), dbSNP rs2497102041, ClinGen allele CA2580083581.
Genomic context (GRCh38, chr11:118,436,791, plus strand): 5'-GGTTCCAGGGGGAGCGGCCGCCGCCTCAGCAGCCTCCTCGTCGTCCGCCTCGTCTTCGTC[TTCG>T]TCATCGTCCTCAGCCTCTTCAGGGCCGGCCCTGCTCCGGGTGGGCCCGGGCTTCGACGCG-3'

ClinVar aggregate classification (germline): Uncertain significance (1 of 4 stars; one submission).

Submission:

Labcorp Genetics (formerly Invitae), Labcorp
Classification: Uncertain significance. Last evaluated: 2022-07-19. Review status: criteria provided, single submitter. Criteria: Invitae Variant Classification Sherloc (09022015). Collection method: clinical testing. Allele origin: germline.
Comment: This variant, c.282_284del, results in the deletion of 1 amino acid(s) of the KMT2A protein (p.Ser98del), but otherwise preserves the integrity of the reading frame. In summary, the available evidence is currently insufficient to determine the role of this variant in disease. Therefore, it has been classified as a Variant of Uncertain Significance. Experimental studies and prediction algorithms are not available or were not evaluated, and the functional significance of this variant is currently unknown. This variant has not been reported in the literature in individuals affected with KMT2A-related conditions. This variant is not present in population databases (gnomAD no frequency).